The following is an entry in ClinVar:

ClinVar aggregate classification (germline): Uncertain significance (1 of 4 stars; one submission).

gnomAD v4.1: 1 of 1,507,884 alleles (0.000066%); highest among the groups gnomAD compares: Non-Finnish European, 0.000088%; no homozygotes.

Submission:

Labcorp Genetics (formerly Invitae), Labcorp
Classification: Uncertain significance. Last evaluated: 2023-01-10. Review status: criteria provided, single submitter. Criteria: Invitae Variant Classification Sherloc (09022015). Collection method: clinical testing. Allele origin: germline.
Comment: This sequence change replaces glycine, which is neutral and non-polar, with serine, which is neutral and polar, at codon 12 of the NEFH protein (p.Gly12Ser). This variant is not present in population databases (gnomAD no frequency). This variant has not been reported in the literature in individuals affected with NEFH-related conditions. Advanced modeling of protein sequence and biophysical properties (such as structural, functional, and spatial information, amino acid conservation, physicochemical variation, residue mobility, and thermodynamic stability) performed at Invitae indicates that this missense variant is not expected to disrupt NEFH protein function. In summary, the available evidence is currently insufficient to determine the role of this variant in disease. Therefore, it has been classified as a Variant of Uncertain Significance.

NM_021076.4(NEFH):c.34G>A (p.Gly12Ser)

Gene: NEFH (neurofilament heavy chain; plus strand). Cytogenetic location: 22q12.2.
Variant type: single nucleotide variant.
Coding change: c.34G>A on transcript NM_021076.4 (MANE Select); coding-DNA position 34, G replaced by A.
Protein change: p.Gly12Ser; replaces glycine 12 with serine.
Molecular consequence: missense variant.
Genome position (GRCh38, 1-based): chr22:29,480,296, G>A. VCF-style: chr22-29480296-G-A. GRCh37 (hg19) VCF-style: chr22-29876285-G-A.
Other names: short protein forms G12S.
Identifiers: ClinVar variation 2815174 (VCV002815174.3), dbSNP rs1027916691, ClinGen allele CA411120971.